The following is an entry in ClinVar:

NM_024417.5(FDXR):c.80-67C>T

Gene: FDXR (ferredoxin reductase; minus strand). Cytogenetic location: 17q25.1.
Variant type: single nucleotide variant.
Coding change: c.80-67C>T on transcript NM_024417.5 (MANE Select); 67 bases into the intron before coding-DNA position 80, C replaced by T.
Molecular consequence: intron variant. On other transcripts: nonsense (1).
Genome position (GRCh38, 1-based): chr17:74,872,200, G>A on the plus strand (C>T on the coding strand, the complement: FDXR is on the minus strand). VCF-style: chr17-74872200-G-A. GRCh37 (hg19) VCF-style: chr17-72868325-G-A.
Other names: c.196C>T, p.Gln66Ter (NM_001258013.4); c.80-67C>T (NM_001258014.4, NM_004110.6, NM_001258015.3 and 1 more transcripts); short protein forms Q66*.
Identifiers: ClinVar variation 3040711 (VCV003040711.4), dbSNP rs187001043, ClinGen allele CA8753382.

ClinVar aggregate classification (germline): Conflicting classifications of pathogenicity. Review status: criteria provided, conflicting classifications (1 of 4 stars). 3 submissions from 3 submitters: Uncertain significance (1); Likely benign (1). 1 of the submissions does not count toward it. Last evaluated 2026-06-24.

Conditions:
Monogenic hearing loss.
FDXR-related disorder. Also called: FDXR-related condition; FDXR-related disorders.

Allele frequency attached by ClinVar (database versions not stated): ExAC 0.00141; gnomAD 0.00201; TOPMed 0.00239; 1000 Genomes Project 0.00240; 1000 Genomes Project 30x 0.00250.

Submissions (3):

Genetics Laboratory, Great Ormond Street Hospital NHS Foundation Trust, North Thames Genomic Laboratory Hub
Classification: Uncertain significance for Monogenic hearing loss. Last evaluated: 2026-06-24. Review status: criteria provided, single submitter. Criteria: ACGS Best Practice Guidelines for Variant Classification in Rare Disease 2024 v1.2. Collection method: clinical testing. Allele origin: germline. Affected: yes.
Comment: PVS1_very-strong

Blueprint Genetics
Classification: Likely benign. Last evaluated: 2024-11-12. Review status: criteria provided, single submitter. Criteria: ACMG Guidelines, 2015. Collection method: clinical testing. Allele origin: germline.

PreventionGenetics, part of Exact Sciences
Classification: Likely benign for FDXR-related condition. Last evaluated: 2019-09-23. Review status: no assertion criteria provided. Collection method: clinical testing. Allele origin: germline. Not counted in ClinVar's aggregate classification.
Comment: This variant is classified as likely benign based on ACMG/AMP sequence variant interpretation guidelines (Richards et al. 2015 PMID: 25741868, with internal and published modifications).